The following is an entry in ClinVar:

ClinVar aggregate classification (germline): Likely benign (1 of 4 stars; one submission).

Allele frequency attached by ClinVar (database versions not stated): ExAC 0.01111.

Submission:

CeGaT Center for Human Genetics Tuebingen
Classification: Likely benign. Last evaluated: 2025-07-01. Review status: criteria provided, single submitter. Criteria: CeGaT Center For Human Genetics Tuebingen Variant Classification Criteria Version 2. Collection method: clinical testing. Allele origin: germline. Affected: yes. Observed: 12 variant alleles.
Comment: DRD4: BP4, BP7

NM_000797.4(DRD4):c.855C>T (p.Leu285=)

Gene: DRD4 (dopamine receptor D4; plus strand). Cytogenetic location: 11p15.5.
Variant type: single nucleotide variant.
Coding change: c.855C>T on transcript NM_000797.4 (MANE Select); coding-DNA position 855, C replaced by T.
Protein change: p.Leu285=; no amino-acid change (leucine 285 retained).
Molecular consequence: synonymous variant.
Genome position (GRCh38, 1-based): chr11:640,104, C>T. VCF-style: chr11-640104-C-T. GRCh37 (hg19) VCF-style: chr11-640104-C-T.
Identifiers: ClinVar variation 2641083 (VCV002641083.24), dbSNP rs745991309, ClinGen allele CA5785847.